The following is an entry in ClinVar:

NM_015164.4(PLEKHM2):c.1168G>A (p.Glu390Lys)

Gene: PLEKHM2 (pleckstrin homology and RUN domain containing M2; plus strand). Cytogenetic location: 1p36.21.
Variant type: single nucleotide variant.
Coding change: c.1168G>A on transcript NM_015164.4 (MANE Select); coding-DNA position 1168, G replaced by A.
Protein change: p.Glu390Lys; replaces glutamic acid 390 with lysine.
Molecular consequence: missense variant.
Genome position (GRCh38, 1-based): chr1:15,727,240, G>A. VCF-style: chr1-15727240-G-A. GRCh37 (hg19) VCF-style: chr1-16053735-G-A.
Other names: c.1108G>A, p.Glu370Lys (NM_001410755.1); short protein forms E370K, E390K.
Identifiers: ClinVar variation 1926002 (VCV001926002.5), dbSNP rs550034610, ClinGen allele CA616879.

ClinVar aggregate classification (germline): Uncertain significance (1 of 4 stars; one submission).

Allele frequency attached by ClinVar (database versions not stated): 1000 Genomes Project 30x 0.00016; 1000 Genomes Project 0.00020.
gnomAD v4.1: 15 of 1,604,086 alleles (0.00094%); highest among the groups gnomAD compares: East Asian, 0.0045%; no homozygotes.

Submission:

Labcorp Genetics (formerly Invitae), Labcorp
Classification: Uncertain significance. Last evaluated: 2025-05-13. Review status: criteria provided, single submitter. Criteria: Invitae Variant Classification Sherloc (09022015). Collection method: clinical testing. Allele origin: germline.
Comment: This sequence change replaces glutamic acid, which is acidic and polar, with lysine, which is basic and polar, at codon 390 of the PLEKHM2 protein (p.Glu390Lys). The frequency data for this variant in the population databases is considered unreliable, as metrics indicate poor data quality at this position in the gnomAD database. This variant has not been reported in the literature in individuals affected with PLEKHM2-related conditions. ClinVar contains an entry for this variant (Variation ID: 1926002). An algorithm developed to predict the effect of missense changes on protein structure and function (PolyPhen-2) suggests that this variant is likely to be tolerated. In summary, the available evidence is currently insufficient to determine the role of this variant in disease. Therefore, it has been classified as a Variant of Uncertain Significance.